The following is an entry in ClinVar:

NM_006516.4(SLC2A1):c.1007T>G (p.Leu336Arg)

Gene: SLC2A1 (solute carrier family 2 member 1; minus strand). Cytogenetic location: 1p34.2.
Variant type: single nucleotide variant.
Coding change: c.1007T>G on transcript NM_006516.4 (MANE Select); coding-DNA position 1007, T replaced by G.
Protein change: p.Leu336Arg; replaces leucine 336 with arginine.
Molecular consequence: missense variant.
Genome position (GRCh38, 1-based): chr1:42,928,999, A>C on the plus strand (T>G on the coding strand, the complement: SLC2A1 is on the minus strand). VCF-style: chr1-42928999-A-C. GRCh37 (hg19) VCF-style: chr1-43394670-A-C.
Other names: short protein forms L336R.
Identifiers: ClinVar variation 4057323 (VCV004057323.1).

ClinVar aggregate classification (germline): Likely pathogenic (1 of 4 stars; one submission).

Conditions:
Encephalopathy due to GLUT1 deficiency. Also called: GLUCOSE TRANSPORT DEFECT, BLOOD-BRAIN BARRIER; De Vivo disease; Glucose transporter protein syndrome; GLUT1 deficiency syndrome 1; GLUT1 deficiency syndrome 1, infantile onset, severe; Classic Glucose Transporter Type 1 Deficiency Syndrome. Identifiers: Orphanet 71277, MedGen C4551966, MONDO:0011724, OMIM 606777.

Submission:

Unidad de Genómica Garrahan, Hospital de Pediatría Garrahan
Classification: Likely pathogenic for Encephalopathy due to GLUT1 deficiency. Last evaluated: 2025-06-24. Review status: criteria provided, single submitter. Criteria: ACMG Guidelines, 2015. Collection method: clinical testing. Allele origin: unknown. Affected: yes. Observed: 1 variant allele.
Comment: PP4_Supporting, PP2_Supporting, PM2_Moderate, PP3_Strong